The following is an entry in ClinVar:

ClinVar aggregate classification (germline): Likely benign (1 of 4 stars; one submission).

gnomAD v4.1: 41 of 1,614,008 alleles (0.0025%); highest among the groups gnomAD compares: Non-Finnish European, 0.0031%; no homozygotes.

Submission:

CeGaT Center for Human Genetics Tuebingen
Classification: Likely benign. Last evaluated: 2026-06-01. Review status: criteria provided, single submitter. Criteria: CeGaT Center For Human Genetics Tuebingen Variant Classification Criteria Version 2. Collection method: clinical testing. Allele origin: germline. Affected: yes. Observed: 1 variant allele.
Comment: TRPM3: BP4, BP7

NM_001366145.2(TRPM3):c.3000C>T (p.Phe1000=)

Gene: TRPM3 (transient receptor potential cation channel subfamily M member 3; minus strand). Cytogenetic location: 9q21.12.
Variant type: single nucleotide variant.
Coding change: c.3000C>T on transcript NM_001366145.2 (MANE Select); coding-DNA position 3000, C replaced by T.
Protein change: p.Phe1000=; no amino-acid change (phenylalanine 1000 retained).
Molecular consequence: synonymous variant.
Genome position (GRCh38, 1-based): chr9:70,598,467, G>A on the plus strand (C>T on the coding strand, the complement: TRPM3 is on the minus strand). VCF-style: chr9-70598467-G-A. GRCh37 (hg19) VCF-style: chr9-73213383-G-A.
Other names: c.2964C>T, p.Phe988= (NM_001007471.4, NM_001366151.2); c.2970C>T, p.Phe990= (NM_001366141.2, NM_001366143.2, NM_001366149.2); c.3006C>T, p.Phe1002= (NM_001366142.2); c.3000C>T, p.Phe1000= (NM_001366146.2); c.3075C>T, p.Phe1025= (NM_001366147.2, NM_001366152.2); c.3045C>T, p.Phe1015= (NM_001366148.2); c.2934C>T, p.Phe978= (NM_001366150.2); c.2541C>T, p.Phe847= (NM_001366154.2, NM_024971.7); and 5 more.
Identifiers: ClinVar variation 4873485 (VCV004873485.2).